The following is an entry in ClinVar:

ClinVar aggregate classification (germline): Benign (1 of 4 stars; one submission).

Conditions:
Oligodontia-cancer predisposition syndrome. Also called: TOOTH AGENESIS-COLORECTAL CANCER SYNDROME. Identifiers: Orphanet 300576, MedGen C1837750, MONDO:0012075, OMIM 608615. Disease mechanism: loss of function.

Submission:

Myriad Genetics, Inc.
Classification: Benign for Oligodontia-cancer predisposition syndrome. Last evaluated: 2024-06-26. Review status: criteria provided, single submitter. Criteria: Myriad Autosomal Dominant, Autosomal Recessive and X-Linked Classification Criteria (2023). Collection method: clinical testing. Allele origin: unknown.
Comment: This variant is considered benign. This variant is a silent/synonymous amino acid change and it is not expected to impact splicing.

NM_004655.4(AXIN2):c.402C>A (p.Ile134=)

Gene: AXIN2 (axin 2; minus strand). Cytogenetic location: 17q24.1.
Variant type: single nucleotide variant.
Coding change: c.402C>A on transcript NM_004655.4 (MANE Select); coding-DNA position 402, C replaced by A.
Protein change: p.Ile134=; no amino-acid change (isoleucine 134 retained).
Molecular consequence: synonymous variant.
Genome position (GRCh38, 1-based): chr17:65,558,219, G>T on the plus strand (C>A on the coding strand, the complement: AXIN2 is on the minus strand). VCF-style: chr17-65558219-G-T. GRCh37 (hg19) VCF-style: chr17-63554337-G-T.
Other names: c.402C>A, p.Ile134= (NM_001363813.1).
Identifiers: ClinVar variation 3254344 (VCV003254344.1), dbSNP rs375952649.
Genomic context (GRCh38, chr17:65,558,219, plus strand): 5'-CTTGGTGGCAGGCTTCAGCTGCTTGGAGACAATGCTGTTGTTCTCAATGTACCTTTTGTA[G>T]ATCGCTTTGGCTACTCGTAAAGTTTTGGTATCCTTCAGGTTCATCTGCCTGAATCCATTG-3'
Protein context (NP_004646.3, residues 124-144): DTKTLRVAKA[Ile134=]YKRYIENNSI